The following is an entry in ClinVar:

NM_005334.3(HCFC1):c.3995C>T (p.Thr1332Met)

Gene: HCFC1 (host cell factor C1; minus strand). Cytogenetic location: Xq28.
Variant type: single nucleotide variant.
Coding change: c.3995C>T on transcript NM_005334.3 (MANE Select); coding-DNA position 3995, C replaced by T.
Protein change: p.Thr1332Met; replaces threonine 1332 with methionine.
Molecular consequence: missense variant.
Genome position (GRCh38, 1-based): chrX:153,954,404, G>A on the plus strand (C>T on the coding strand, the complement: HCFC1 is on the minus strand). VCF-style: chrX-153954404-G-A. GRCh37 (hg19) VCF-style: chrX-153219855-G-A.
Other names: c.3995C>T, p.Thr1332Met (NM_001410705.1); short protein forms T1332M.
Identifiers: ClinVar variation 2116237 (VCV002116237.4), dbSNP rs1281684187, ClinGen allele CA415118276.

ClinVar aggregate classification (germline): Uncertain significance (1 of 4 stars; one submission).

Conditions:
Methylmalonic acidemia with homocystinuria, type cblX (MAHCX). Also called: INTELLECTUAL DEVELOPMENTAL DISORDER, X-LINKED 3. Identifiers: Orphanet 369962, MedGen C0796208, MONDO:0010657, OMIM 309541.

Allele frequency attached by ClinVar (database versions not stated): TOPMed 0.00001.
gnomAD v4.1: 12 of 1,211,307 alleles (0.00099%); highest among the groups gnomAD compares: Non-Finnish European, 0.0013%; no homozygotes.

Submission:

Labcorp Genetics (formerly Invitae), Labcorp
Classification: Uncertain significance for Methylmalonic acidemia with homocystinuria, type cblX. Last evaluated: 2022-05-24. Review status: criteria provided, single submitter. Criteria: Invitae Variant Classification Sherloc (09022015). Collection method: clinical testing. Allele origin: germline.
Comment: This sequence change replaces threonine, which is neutral and polar, with methionine, which is neutral and non-polar, at codon 1332 of the HCFC1 protein (p.Thr1332Met). This variant has not been reported in the literature in individuals affected with HCFC1-related conditions. The frequency data for this variant in the population databases is considered unreliable, as metrics indicate poor data quality at this position in the gnomAD database. In summary, the available evidence is currently insufficient to determine the role of this variant in disease. Therefore, it has been classified as a Variant of Uncertain Significance. Algorithms developed to predict the effect of missense changes on protein structure and function are either unavailable or do not agree on the potential impact of this missense change (SIFT: "Deleterious"; PolyPhen-2: "Probably Damaging"; Align-GVGD: "Class C0").